The following is an entry in ClinVar:

NM_015311.3(OBSL1):c.4363T>C (p.Leu1455=)

Gene: OBSL1 (obscurin like cytoskeletal adaptor 1; minus strand). Cytogenetic location: 2q35.
Variant type: single nucleotide variant.
Coding change: c.4363T>C on transcript NM_015311.3 (MANE Select); coding-DNA position 4363, T replaced by C.
Protein change: p.Leu1455=; no amino-acid change (leucine 1455 retained).
Molecular consequence: synonymous variant.
Genome position (GRCh38, 1-based): chr2:219,556,266, A>G on the plus strand (T>C on the coding strand, the complement: OBSL1 is on the minus strand). VCF-style: chr2-219556266-A-G. GRCh37 (hg19) VCF-style: chr2-220420988-A-G.
Other names: c.4363T>C, p.Leu1455= (NM_001173431.2).
Identifiers: ClinVar variation 334476 (VCV000334476.17), dbSNP rs78420199, ClinGen allele CA2130562.

ClinVar aggregate classification (germline): Benign/Likely benign. Review status: criteria provided, multiple submitters, no conflicts (2 of 4 stars). 4 submissions from 4 submitters: Benign (3); Likely benign (1). Last evaluated 2026-05-11.

Conditions:
3M syndrome 2. Also called: 3-M Syndrome, OBSL1-Related; THREE M SYNDROME 2. Identifiers: Orphanet 2616, MedGen C2752041, MONDO:0013039, OMIM 612921.

Allele frequency attached by ClinVar (database versions not stated): gnomAD exomes 0.00056 and 0.00148; 1000 Genomes Project 0.00359; 1000 Genomes Project 30x 0.00359; ESP Exome Variant Server 0.00536; gnomAD 0.00561 and 0.00600; TOPMed 0.00668.
gnomAD v4.1: 1,706 of 1,589,344 alleles (0.11%); highest among the groups gnomAD compares: African/African-American, 2%; 18 homozygotes.

Submissions (4):

Women's Health and Genetics/Laboratory Corporation of America, LabCorp
Classification: Benign. Last evaluated: 2026-05-11. Review status: criteria provided, single submitter. Criteria: LabCorp Variant Classification Summary - May 2015. Collection method: clinical testing. Allele origin: germline.

Labcorp Genetics (formerly Invitae), Labcorp
Classification: Benign. Last evaluated: 2026-01-28. Review status: criteria provided, single submitter. Criteria: Invitae Variant Classification Sherloc (09022015). Collection method: clinical testing. Allele origin: germline.

Blueprint Genetics
Classification: Likely benign. Last evaluated: 2024-10-14. Review status: criteria provided, single submitter. Criteria: ACMG Guidelines, 2015. Collection method: clinical testing. Allele origin: germline.

Illumina Laboratory Services, Illumina
Classification: Benign for 3M syndrome 2. Last evaluated: 2018-01-13. Review status: criteria provided, single submitter. Criteria: ICSL Variant Classification Criteria 13 December 2019. Collection method: clinical testing. Allele origin: germline.
Comment: This variant was observed in the ICSL laboratory as part of a predisposition screen in an ostensibly healthy population. It had not been previously curated by ICSL or reported in the Human Gene Mutation Database (HGMD: prior to June 1st, 2018), and was therefore a candidate for classification through an automated scoring system. Utilizing variant allele frequency, disease prevalence and penetrance estimates, and inheritance mode, an automated score was calculated to assess if this variant is too frequent to cause the disease. Based on the score and internal cut-off values, a variant classified as benign is not then subjected to further curation. The score for this variant resulted in a classification of benign for this disease.